The following is an entry in ClinVar:

NM_178857.6(RP1L1):c.1810G>A (p.Ala604Thr)

Gene: RP1L1 (RP1 like 1). Cytogenetic location: 8p23.1.
Variant type: single nucleotide variant.
Coding change: c.1810G>A on transcript NM_178857.6 (MANE Select); coding-DNA position 1810, G replaced by A.
Protein change: p.Ala604Thr; replaces alanine 604 with threonine.
Molecular consequence: missense variant.
Genome position (GRCh38, 1-based): chr8:10,612,288, C>T on the plus strand (G>A on the coding strand, the complement: RP1L1 is on the minus strand). VCF-style: chr8-10612288-C-T. GRCh37 (hg19) VCF-style: chr8-10469798-C-T.
Other names: short protein forms A604T.
Identifiers: ClinVar variation 1701544 (VCV001701544.31), dbSNP rs1474979716, ClinGen allele CA370294573.

ClinVar aggregate classification (germline): Uncertain significance (1 of 4 stars; one submission).

Allele frequency attached by ClinVar (database versions not stated): gnomAD exomes below 0.00001.
gnomAD v4.1: 1 of 1,613,254 alleles (0.000062%); highest among the groups gnomAD compares: South Asian, 0.0011%; no homozygotes.

Submission:

CeGaT Center for Human Genetics Tuebingen
Classification: Uncertain significance. Last evaluated: 2022-06-01. Review status: criteria provided, single submitter. Criteria: CeGaT Center For Human Genetics Tuebingen Variant Classification Criteria Version 2. Collection method: clinical testing. Allele origin: germline. Affected: yes. Observed: 1 variant allele.
Comment: RP1L1: PM2, BP4